The following is an entry in ClinVar:

NM_006922.4(SCN3A):c.2721C>G (p.Ser907Arg)

Gene: SCN3A (sodium voltage-gated channel alpha subunit 3; minus strand). Cytogenetic location: 2q24.3.
Variant type: single nucleotide variant.
Coding change: c.2721C>G on transcript NM_006922.4 (MANE Select); coding-DNA position 2721, C replaced by G.
Protein change: p.Ser907Arg; replaces serine 907 with arginine.
Molecular consequence: missense variant.
Genome position (GRCh38, 1-based): chr2:165,130,141, G>C on the plus strand (C>G on the coding strand, the complement: SCN3A is on the minus strand). VCF-style: chr2-165130141-G-C. GRCh37 (hg19) VCF-style: chr2-165986651-G-C.
Other names: c.2574C>G, p.Ser858Arg (NM_001081676.2, NM_001081677.2); short protein forms S858R, S907R.
Identifiers: ClinVar variation 5019798 (VCV005019798.1).

ClinVar aggregate classification (germline): Uncertain significance (1 of 4 stars; one submission).

Conditions:
Developmental and epileptic encephalopathy, 62. Also called: Early infantile epileptic encephalopathy 62. Identifiers: MedGen C4693699, MONDO:0033371, OMIM 617938.
Epilepsy, familial focal, with variable foci 4 (FFEVF4). Identifiers: MedGen C4693694, MONDO:0054776, OMIM 617935.

Submission:

Juno Genomics, Hangzhou Juno Genomics, Inc
Classification: Uncertain significance for Developmental and epileptic encephalopathy, 62; Epilepsy, familial focal, with variable foci 4. Review status: criteria provided, single submitter. Criteria: ACMG Guidelines, 2015. Collection method: clinical testing. Allele origin: germline. Affected: yes.
Comment: Absent from controls (or at extremely low frequency if recessive) in Genome Aggregation Database.;Multiple lines of computational evidence support a deleterious effect on the gene or gene product.